The following is an entry in ClinVar:

NM_000283.4(PDE6B):c.778G>T (p.Ala260Ser)

Genes: PDE6B (phosphodiesterase 6B; plus strand), PDE6B-AS1 (PDE6B antisense RNA 1; minus strand). Cytogenetic location: 4p16.3.
Variant type: single nucleotide variant.
Coding change: c.778G>T on transcript NM_000283.4 (MANE Select); coding-DNA position 778, G replaced by T.
Protein change: p.Ala260Ser; replaces alanine 260 with serine.
Molecular consequence: missense variant. On other transcripts: non-coding transcript variant (2), 5 prime UTR variant (5).
Genome position (GRCh38, 1-based): chr4:653,918, G>T. VCF-style: chr4-653918-G-T. GRCh37 (hg19) VCF-style: chr4-647707-G-T.
Other names: c.778G>T, p.Ala260Ser (NM_001145291.2); c.-60G>T (NM_001145292.2, NM_001350154.3, NM_001379246.1 and 1 more transcripts); c.-263G>T (NM_001350155.3); short protein forms A260S.
Identifiers: ClinVar variation 2965654 (VCV002965654.3), dbSNP rs774364862, ClinGen allele CA2794114.
Genomic context (GRCh38, chr4:653,918, plus strand): 5'-CTGTGGTCGGCCAACAAGGTGTTTGAGGAGCTGACGGACATCGAGAGGCAGTTCCACAAG[G>T]CCTTCTACACGGTGCGGGCCTACCTCAACTGCGAGCGGTACTCCGTGGGCCTCCTGGACA-3'
Protein context (NP_000274.3, residues 250-270): LTDIERQFHK[Ala260Ser]FYTVRAYLNC

ClinVar aggregate classification (germline): Uncertain significance (1 of 4 stars; one submission).

Allele frequency attached by ClinVar (database versions not stated): gnomAD exomes 0.00001; TOPMed 0.00001; ExAC 0.00001; gnomAD 0.00002.
gnomAD v4.1: 20 of 1,613,840 alleles (0.0012%); highest among the groups gnomAD compares: Non-Finnish European, 0.0015%; no homozygotes.

Submission:

Labcorp Genetics (formerly Invitae), Labcorp
Classification: Uncertain significance. Last evaluated: 2025-05-04. Review status: criteria provided, single submitter. Criteria: Invitae Variant Classification Sherloc (09022015). Collection method: clinical testing. Allele origin: germline.
Comment: This sequence change replaces alanine, which is neutral and non-polar, with serine, which is neutral and polar, at codon 260 of the PDE6B protein (p.Ala260Ser). This variant is present in population databases (rs774364862, gnomAD 0.004%). This variant has not been reported in the literature in individuals affected with PDE6B-related conditions. ClinVar contains an entry for this variant (Variation ID: 2965654). Invitae Evidence Modeling of protein sequence and biophysical properties (such as structural, functional, and spatial information, amino acid conservation, physicochemical variation, residue mobility, and thermodynamic stability) indicates that this missense variant is expected to disrupt PDE6B protein function with a positive predictive value of 80%. In summary, the available evidence is currently insufficient to determine the role of this variant in disease. Therefore, it has been classified as a Variant of Uncertain Significance.